The following is an entry in ClinVar:

ClinVar aggregate classification (germline): Uncertain significance (1 of 4 stars; one submission).

Submission:

GeneDx
Classification: Uncertain significance. Last evaluated: 2024-06-07. Review status: criteria provided, single submitter. Criteria: GeneDx Variant Classification Process June 2021. Collection method: clinical testing. Allele origin: germline. Affected: yes.
Comment: Not observed at significant frequency in large population cohorts (gnomAD); In silico analysis indicates that this missense variant does not alter protein structure/function; Has not been previously published as pathogenic or benign to our knowledge

NM_001851.6(COL9A1):c.925G>C (p.Glu309Gln)

Gene: COL9A1 (collagen type IX alpha 1 chain; minus strand). Cytogenetic location: 6q13.
Variant type: single nucleotide variant.
Coding change: c.925G>C on transcript NM_001851.6 (MANE Select); coding-DNA position 925, G replaced by C.
Protein change: p.Glu309Gln; replaces glutamic acid 309 with glutamine.
Molecular consequence: missense variant. On other transcripts: non-coding transcript variant (1).
Genome position (GRCh38, 1-based): chr6:70,280,862, C>G on the plus strand (G>C on the coding strand, the complement: COL9A1 is on the minus strand). VCF-style: chr6-70280862-C-G. GRCh37 (hg19) VCF-style: chr6-70990565-C-G.
Other names: c.196G>C, p.Glu66Gln (NM_001377289.1, NM_001377290.1, NM_078485.4); c.925G>C, p.Glu309Gln (NM_001377291.1); short protein forms E309Q, E66Q.
Identifiers: ClinVar variation 3384317 (VCV003384317.1).